The following is an entry in ClinVar:

ClinVar aggregate classification (germline): Likely pathogenic. Review status: criteria provided, multiple submitters, no conflicts (2 of 4 stars). 2 submissions from 2 submitters: Likely pathogenic (2). Last evaluated 2025-02-25.

Conditions:
Cardiovascular phenotype. Identifiers: MedGen CN230736.
Dilated cardiomyopathy 1G (CMD1G). Identifiers: Orphanet 154, MedGen C1858763, MONDO:0011400, OMIM 604145.
Autosomal recessive limb-girdle muscular dystrophy type 2J (LGMDR10). Also called: Limb-girdle muscular dystrophy, type 2J; MUSCULAR DYSTROPHY, LIMB-GIRDLE, AUTOSOMAL RECESSIVE 10. Identifiers: Orphanet 140922, MedGen C1837342, MONDO:0012127, OMIM 608807.

Submissions (2):

Ambry Genetics
Classification: Likely pathogenic for Cardiovascular phenotype. Last evaluated: 2025-02-25. Review status: criteria provided, single submitter. Criteria: Ambry Variant Classification Scheme 2023. Collection method: clinical testing. Allele origin: germline.
Comment: The c.2869dupC variant, located in coding exon 16 of the TTN gene, results from a duplication of C at nucleotide position 2869, causing a translational frameshift with a predicted alternate stop codon (p.R957Pfs*18). This exon is located in the near Z-disk region of the N2-B isoform of the titin protein and is constitutively expressed in TTN transcripts (percent spliced in or PSI 100%). This variant is considered to be rare based on population cohorts in the Genome Aggregation Database (gnomAD). This variant is expected to result in loss of function by premature protein truncation or nonsense-mediated mRNA decay. While truncating variants in TTN are present in 1-3% of the general population, truncating variants in the A-band are the most common cause of dilated cardiomyopathy (Herman DS et al. N. Engl. J. Med., 2012 Feb;366:619-28; Roberts AM et al. Sci Transl Med, 2015 Jan;7:270ra6). TTN truncating variants encoded in constitutive exons (PSI >90%) have been found to be significantly associated with DCM regardless of their position in titin (Schafer S et al. Nat. Genet., 2017 01;49:46-53; Akhtar MM et al. Circ Heart Fail, 2020 Oct;13:e006832; Massier M et al. Clin Genet, 2025 Jan). Based on the majority of available evidence to date, this variant is likely to be pathogenic.

Labcorp Genetics (formerly Invitae), Labcorp
Classification: Likely pathogenic for Dilated cardiomyopathy 1G; Autosomal recessive limb-girdle muscular dystrophy type 2J. Last evaluated: 2024-10-18. Review status: criteria provided, single submitter. Criteria: Invitae Variant Classification Sherloc (09022015). Collection method: clinical testing. Allele origin: germline.
Comment: This sequence change creates a premature translational stop signal (p.Arg1003Profs*18) in the TTN gene. While this is not anticipated to result in nonsense mediated decay, it is expected to create a truncated TTN protein. This variant is not present in population databases (gnomAD no frequency). This variant has not been reported in the literature in individuals affected with TTN-related conditions. ClinVar contains an entry for this variant (Variation ID: 642243). This variant is located in the Z band of TTN (PMID: 25589632). Truncating variants in this region have been reported in individuals affected with autosomal recessive centronuclear myopathy (PMID: 33449170, internal data). Truncating variants in this region have also been identified in individuals affected with autosomal dominant dilated cardiomyopathy and/or cardio-related conditions (PMID: 27869827, 32964742, internal data). In summary, the currently available evidence indicates that the variant is pathogenic, but additional data are needed to prove that conclusively. Therefore, this variant has been classified as Likely Pathogenic.

Literature cited by the submitters: PubMed 25589632 (cited by Labcorp Genetics (formerly Invitae), Labcorp); PubMed 33449170 (cited by Labcorp Genetics (formerly Invitae), Labcorp); PubMed 27869827 (cited by Labcorp Genetics (formerly Invitae), Labcorp); PubMed 32964742 (cited by Labcorp Genetics (formerly Invitae), Labcorp).

NM_001267550.2(TTN):c.3007dup (p.Arg1003fs)

Gene: TTN (titin; minus strand). Cytogenetic location: 2q31.2.
Variant type: Duplication.
Coding change: c.3007dup on transcript NM_001267550.2 (MANE Select); coding-DNA position 3007, one base duplicated (C; older notation c.3007dupC).
Protein change: p.Arg1003fs; shifts the reading frame from arginine 1003.
Molecular consequence: frameshift variant.
Genome position (GRCh38, 1-based): chr2:178,782,899, G duplicated on the plus strand (C on the coding strand, the reverse complement: TTN is on the minus strand). VCF-style (leftmost placement, unchanged base first): chr2-178782898-C-CG. GRCh37 (hg19) VCF-style: chr2-179647625-C-CG.
Other names: c.3007dup, p.Arg1003fs (NM_001256850.1, NM_133378.4, NM_133379.5); c.2869dup, p.Arg957fs (NM_003319.4, NM_133432.3, NM_133437.4); c.2869dupC (NM_003319.4); c.3007dupC (NM_001267550.2); short protein forms R1003fs, R957fs.
Identifiers: ClinVar variation 642243 (VCV000642243.11), dbSNP rs1574771625, ClinGen allele CA915942203.